The following is an entry in ClinVar:

NM_001354604.2(MITF):c.1247A>T (p.Asp416Val)

Gene: MITF (melanocyte inducing transcription factor; plus strand). Cytogenetic location: 3p13.
Variant type: single nucleotide variant.
Coding change: c.1247A>T on transcript NM_001354604.2 (MANE Select); coding-DNA position 1247, A replaced by T.
Protein change: p.Asp416Val; replaces aspartic acid 416 with valine.
Molecular consequence: missense variant.
Genome position (GRCh38, 1-based): chr3:69,964,914, A>T. VCF-style: chr3-69964914-A-T. GRCh37 (hg19) VCF-style: chr3-70014065-A-T.
Other names: c.1244A>T, p.Asp415Val (NM_001354605.2); c.1226A>T, p.Asp409Val (NM_001354606.2, NM_006722.3); c.1178A>T, p.Asp393Val (NM_001354607.2); c.1073A>T, p.Asp358Val (NM_001354608.2, NM_001184967.2); c.908A>T, p.Asp303Val (NM_198158.3); c.1229A>T, p.Asp410Val (NM_198159.3); c.1181A>T, p.Asp394Val (NM_198177.3); c.740A>T, p.Asp247Val (NM_198178.3); and 1 more; short protein forms D247V, D303V, D309V, D358V, D393V, D394V, D409V, D410V.
Identifiers: ClinVar variation 3749923 (VCV003749923.3).

ClinVar aggregate classification (germline): Uncertain significance. Review status: criteria provided, multiple submitters, no conflicts (2 of 4 stars). 2 submissions from 2 submitters: Uncertain significance (2). Last evaluated 2025-05-16.

Conditions:
Tietz syndrome (TADS). Also called: HYPOPIGMENTATION/DEAFNESS OF TIETZ; TIETZ ALBINISM-DEAFNESS SYNDROME; ALBINISM-DEAFNESS OF TIETZ. Identifiers: Orphanet 42665, MedGen C0391816, MONDO:0007077, OMIM 103500.
Waardenburg syndrome type 2A (WS2A). Also called: WAARDENBURG SYNDROME WITHOUT DYSTOPIA CANTHORUM. Identifiers: Orphanet 3440, MedGen C1860339, MONDO:0008671, OMIM 193510.
Melanoma, cutaneous malignant, susceptibility to, 8. Also called: MELANOMA AND RENAL CELL CARCINOMA, SUSCEPTIBILITY TO; Cutaneous malignant melanoma 8. Identifiers: Orphanet 293822, MedGen C3152204, MONDO:0013759, OMIM 614456.
Hereditary cancer-predisposing syndrome. Also called: Hereditary neoplastic syndrome; Tumor predisposition; Hereditary Cancer Syndrome; Neoplastic Syndromes, Hereditary. Identifiers: Orphanet 140162, MedGen C0027672, MeSH D009386, MONDO:0015356.

gnomAD v4.1: 1 of 1,614,008 alleles (0.000062%); highest among the groups gnomAD compares: Non-Finnish European, 0.000085%; no homozygotes.

Submissions (2):

Ambry Genetics
Classification: Uncertain significance for Hereditary cancer-predisposing syndrome. Last evaluated: 2025-05-16. Review status: criteria provided, single submitter. Criteria: Ambry Variant Classification Scheme 2023. Collection method: clinical testing. Allele origin: germline.
Comment: The p.D309V variant (also known as c.926A>T), located in coding exon 9 of the MITF gene, results from an A to T substitution at nucleotide position 926. The aspartic acid at codon 309 is replaced by valine, an amino acid with highly dissimilar properties. This amino acid position is conserved. In addition, the in silico prediction for this alteration is inconclusive. Based on the available evidence, the clinical significance of this variant remains unclear.

Labcorp Genetics (formerly Invitae), Labcorp
Classification: Uncertain significance for Melanoma, cutaneous malignant, susceptibility to, 8; Waardenburg syndrome type 2A; Tietz syndrome. Last evaluated: 2024-11-04. Review status: criteria provided, single submitter. Criteria: Invitae Variant Classification Sherloc (09022015). Collection method: clinical testing. Allele origin: germline.
Comment: This sequence change replaces aspartic acid, which is acidic and polar, with valine, which is neutral and non-polar, at codon 309 of the MITF protein (p.Asp309Val). This variant is not present in population databases (gnomAD no frequency). This variant has not been reported in the literature in individuals affected with MITF-related conditions. Invitae Evidence Modeling of protein sequence and biophysical properties (such as structural, functional, and spatial information, amino acid conservation, physicochemical variation, residue mobility, and thermodynamic stability) indicates that this missense variant is not expected to disrupt MITF protein function with a negative predictive value of 80%. In summary, the available evidence is currently insufficient to determine the role of this variant in disease. Therefore, it has been classified as a Variant of Uncertain Significance.